The following is an entry in ClinVar:

ClinVar aggregate classification (germline): Pathogenic. Review status: criteria provided, multiple submitters, no conflicts (2 of 4 stars). 2 submissions from 2 submitters: Pathogenic (2). Last evaluated 2025-08-29.

Conditions:
Hypophosphatasia. Also called: Phosphoethanol-aminuria. Identifiers: Orphanet 436, MedGen C0020630, MeSH D007014, MONDO:0018570.

Allele frequency attached by ClinVar (database versions not stated): ExAC 0.00001; gnomAD 0.00001.

Submissions (2):

Genomenon, Inc
Classification: Pathogenic for Hypophosphatasia. Last evaluated: 2025-08-29. Review status: criteria provided, single submitter. Criteria: Genomenon Sequence Variant Interpretation Standards. Collection method: curation. Allele origin: germline. Affected: yes.
Comment: ALPL p.Val217AlafsTer15 (c.649_650insC) is a frameshift variant that results in the production of a truncated protein which is predicted to undergo nonsense-mediated mRNA decay. This variant has been observed in at least one proband affected with hypophosphatasia (PMID:34712267). It is absent or not present at a significant frequency in gnomAD. In conclusion, we classify ALPL p.Val217AlafsTer15 (c.649_650insC) as a pathogenic variant.

JKU Lab, Dept of Paediatrics, Johannes Kepler University
Classification: Pathogenic for Hypophosphatasia. Last evaluated: 2023-12-05. Review status: criteria provided, single submitter. Criteria: ACMG Guidelines, 2015. Collection method: clinical testing. Allele origin: germline. Affected: yes. Observed: 1 compound heterozygote.
Comment: Absent in GnomAD. The ACMG criteria applied can be looked up in the ALPL gene variant database.

Literature cited by the submitters: PubMed 34712267 (cited by Genomenon, Inc and JKU Lab, Dept of Paediatrics, Johannes Kepler University).

NM_000478.6(ALPL):c.649_650insC (p.Val217fs)

Gene: ALPL (alkaline phosphatase, biomineralization associated; plus strand). Cytogenetic location: 1p36.12.
Variant type: Insertion.
Coding change: c.649_650insC on transcript NM_000478.6 (MANE Select); coding-DNA positions 649 to 650, C inserted.
Protein change: p.Val217fs; shifts the reading frame from valine 217.
Molecular consequence: frameshift variant.
Genome position: GRCh38 VCF-style: chr1-21568104-G-GC. GRCh37 (hg19) VCF-style: chr1-21894597-G-GC.
Other names: c.484_485insC, p.Val162fs (NM_001127501.4); c.418_419insC, p.Val140fs (NM_001177520.3); c.649_650insC, p.Val217fs (NM_001369803.2, NM_001369804.2, NM_001369805.2); short protein forms V140fs, V162fs, V217fs.
Identifiers: ClinVar variation 2671819 (VCV002671819.2), dbSNP rs781213038, ClinGen allele CA666566.